The following is an entry in ClinVar:

NM_000392.5(ABCC2):c.214G>A (p.Val72Ile)

Gene: ABCC2 (ATP binding cassette subfamily C member 2; plus strand). Cytogenetic location: 10q24.2.
Variant type: single nucleotide variant.
Coding change: c.214G>A on transcript NM_000392.5 (MANE Select); coding-DNA position 214, G replaced by A.
Protein change: p.Val72Ile; replaces valine 72 with isoleucine.
Molecular consequence: missense variant.
Genome position (GRCh38, 1-based): chr10:99,792,240, G>A. VCF-style: chr10-99792240-G-A. GRCh37 (hg19) VCF-style: chr10-101551997-G-A.
Other names: c.214G>A (NM_000392.4); short protein forms V72I.
Identifiers: ClinVar variation 878786 (VCV000878786.5), dbSNP rs148791847, ClinGen allele CA5642817.
Genomic context (GRCh38, chr10:99,792,240, plus strand): 5'-AAGAGCCTTATAAAGAATGATATCCTCTTAACAGTGGTCTTTTTCCCTTCTCAGGTATTC[G>A]TTGGTTTTCTTCTTATTCTAGCAGCCATAGAGCTGGCCCTTGTACTCACAGAAGACTCTG-3'
Protein context (NP_000383.2, residues 62-82): TKLYLAKQVF[Val72Ile]GFLLILAAIE

ClinVar aggregate classification (germline): Uncertain significance. Review status: criteria provided, multiple submitters, no conflicts (2 of 4 stars). 2 submissions from 2 submitters: Uncertain significance (2). Last evaluated 2026-03-04.

Conditions:
ABCC2-related disorder. Also called: ABCC2-related condition.
Dubin-Johnson syndrome (DJS). Also called: HYPERBILIRUBINEMIA, DUBIN-JOHNSON TYPE; Jaundice, Chronic Idiopathic; Hyperbilirubinemia type 2. Identifiers: Orphanet 234, MedGen C0022350, MONDO:0009380, OMIM 237500.

Allele frequency attached by ClinVar (database versions not stated): ExAC 0.00002; TOPMed 0.00002; gnomAD exomes 0.00003 and 0.00001; gnomAD 0.00005; ESP Exome Variant Server 0.00008.
gnomAD v4.1: 23 of 1,613,714 alleles (0.0014%); highest among the groups gnomAD compares: Admixed American, 0.0067%; no homozygotes.

Submissions (2):

PreventionGenetics, part of Exact Sciences
Classification: Uncertain significance for ABCC2-related condition. Last evaluated: 2026-03-04. Review status: criteria provided, single submitter. Criteria: ACMG Guidelines, 2015. Collection method: clinical testing. Allele origin: germline.
Comment: The ABCC2 c.214G>A variant is predicted to result in the amino acid substitution p.Val72Ile. To our knowledge, this variant has not been reported in the literature. This variant is reported in 0.0046% of alleles in individuals of European (Non-Finnish) descent in gnomAD. At this time, the clinical significance of this variant is uncertain due to the absence of conclusive functional and genetic evidence.

Illumina Laboratory Services, Illumina
Classification: Uncertain significance for Dubin-Johnson syndrome. Last evaluated: 2018-01-13. Review status: criteria provided, single submitter. Criteria: ICSL Variant Classification Criteria 13 December 2019. Collection method: clinical testing. Allele origin: germline.